The following is an entry in ClinVar:

NM_000397.4(CYBB):c.357T>A (p.His119Gln)

Gene: CYBB (cytochrome b-245 beta chain; plus strand). Cytogenetic location: Xp21.1.
Variant type: single nucleotide variant.
Coding change: c.357T>A on transcript NM_000397.4 (MANE Select); coding-DNA position 357, T replaced by A.
Protein change: p.His119Gln; replaces histidine 119 with glutamine.
Molecular consequence: missense variant.
Genome position (GRCh38, 1-based): chrX:37,793,684, T>A. VCF-style: chrX-37793684-T-A. GRCh37 (hg19) VCF-style: chrX-37652937-T-A.
Other names: short protein forms H119Q.
Identifiers: ClinVar variation 4688560 (VCV004688560.1).
Genomic context (GRCh38, chrX:37,793,684, plus strand): 5'-TACCCTTCATTCTCTTTGTTTCTCTTCTCTGCCCTTTTCAGCGATTCACACCATTGCACA[T>A]CTATTTAATGTGGAATGGTGTGTGAATGCCCGAGTCAATAATTCTGATCCTTATTCAGTA-3'
Protein context (NP_000388.2, residues 109-129): ALHSAIHTIA[His119Gln]LFNVEWCVNA

ClinVar aggregate classification (germline): Uncertain significance (1 of 4 stars; one submission).

Submission:

Women's Health and Genetics/Laboratory Corporation of America, LabCorp
Classification: Uncertain significance. Last evaluated: 2025-12-04. Review status: criteria provided, single submitter. Criteria: LabCorp Variant Classification Summary - May 2015. Collection method: clinical testing. Allele origin: germline.
Comment: Variant summary: CYBB c.357T>A (p.His119Gln) results in a non-conservative amino acid change in the encoded protein sequence. Algorithms developed to predict the effect of missense changes on protein structure and function all suggest that this variant is likely to be disruptive. The variant was absent in 182262 control chromosomes. The available data on variant occurrences in the general population are insufficient to allow any conclusion about variant significance. To our knowledge, no occurrence of c.357T>A in individuals affected with CYBB-related conditions and no experimental evidence demonstrating its impact on protein function have been reported. Other variants impact this codon (p.H119R, p.H119P) have been reported without clear pathogenicity. No submitters have cited clinical-significance assessments for this variant to ClinVar. Based on the evidence outlined above, the variant was classified as uncertain significance.